The following is an entry in ClinVar:

NM_000489.6(ATRX):c.1973G>A (p.Arg658His)

Gene: ATRX (ATRX chromatin remodeler; minus strand). Cytogenetic location: Xq21.1.
Variant type: single nucleotide variant.
Coding change: c.1973G>A on transcript NM_000489.6 (MANE Select); coding-DNA position 1973, G replaced by A.
Protein change: p.Arg658His; replaces arginine 658 with histidine.
Molecular consequence: missense variant.
Genome position (GRCh38, 1-based): chrX:77,683,283, C>T on the plus strand (G>A on the coding strand, the complement: ATRX is on the minus strand). VCF-style: chrX-77683283-C-T. GRCh37 (hg19) VCF-style: chrX-76938775-C-T.
Other names: c.1859G>A, p.Arg620His (NM_138270.5); c.1973G>A (NM_000489.5); short protein forms R620H, R658H.
Identifiers: ClinVar variation 1431924 (VCV001431924.7), dbSNP rs2148610304, ClinGen allele CA413715131.

ClinVar aggregate classification (germline): Uncertain significance. Review status: criteria provided, single submitter (1 of 4 stars). 2 submissions from 2 submitters: Uncertain significance (1). 1 of the submissions does not count toward it. Last evaluated 2025-09-09.

Conditions:
Alpha thalassemia-X-linked intellectual disability syndrome (ATRX). Also called: ATR-X syndrome; Alpha thalassemia mental retardation syndrome, nondeletion type, X-linked; XLMR hypotonic face syndrome; X-linked alpha-thalassemia-mental retardation syndrome; ALPHA-THALASSEMIA/IMPAIRED INTELLECTUAL DEVELOPMENT SYNDROME, X-LINKED; ALPHA-THALASSEMIA/MENTAL RETARDATION SYNDROME, X-LINKED. Identifiers: Orphanet 847, MedGen C1845055, MONDO:0010519, OMIM 301040.

gnomAD v4.1: 4 of 1,210,112 alleles (0.00033%); highest among the groups gnomAD compares: Non-Finnish European, 0.00045%; no homozygotes.

Submissions (2):

Labcorp Genetics (formerly Invitae), Labcorp
Classification: Uncertain significance for Alpha thalassemia-X-linked intellectual disability syndrome. Last evaluated: 2025-09-09. Review status: criteria provided, single submitter. Criteria: Invitae Variant Classification Sherloc (09022015). Collection method: clinical testing. Allele origin: germline.
Comment: This sequence change replaces arginine, which is basic and polar, with histidine, which is basic and polar, at codon 658 of the ATRX protein (p.Arg658His). This variant is not present in population databases (gnomAD no frequency). This variant has not been reported in the literature in individuals affected with ATRX-related conditions. ClinVar contains an entry for this variant (Variation ID: 1431924). Invitae Evidence Modeling of protein sequence and biophysical properties (such as structural, functional, and spatial information, amino acid conservation, physicochemical variation, residue mobility, and thermodynamic stability) indicates that this missense variant is not expected to disrupt ATRX protein function with a negative predictive value of 95%. In summary, the available evidence is currently insufficient to determine the role of this variant in disease. Therefore, it has been classified as a Variant of Uncertain Significance.

Natera, Inc.
Classification: Uncertain significance for X-linked alpha-thalassemia-mental retardation syndrome. Last evaluated: 2025-02-17. Review status: no assertion criteria provided. Collection method: clinical testing. Allele origin: germline. Not counted in ClinVar's aggregate classification.